The following is an entry in ClinVar:

ClinVar aggregate classification (germline): Likely benign. Review status: criteria provided, multiple submitters, no conflicts (2 of 4 stars). 3 submissions from 3 submitters: Likely benign (3). Last evaluated 2025-07-21.

Conditions:
TTC21B-related disorder. Also called: TTC21B-related disorders; TTC21B-related condition.
Nephronophthisis. Also called: Juvenile Nephronophthisis. Identifiers: Orphanet 655, MedGen C0687120, MONDO:0019005, HP:0000090.
Jeune thoracic dystrophy. Also called: Jeune syndrome; Infantile thoracic dystrophy; Thoracic pelvic phalangeal dystrophy; Jeune's syndrome; Chondroectodermal dysplasia-like syndrome; Short-rib thoracic dysplasia. Identifiers: Orphanet 474, MedGen C0265275, MONDO:0018770.

Allele frequency attached by ClinVar (database versions not stated): ExAC 0.00002; gnomAD exomes 0.00002; ESP Exome Variant Server 0.00008.
gnomAD v4.1: 46 of 1,613,596 alleles (0.0029%); highest among the groups gnomAD compares: African/African-American, 0.061%; no homozygotes.

Submissions (3):

Labcorp Genetics (formerly Invitae), Labcorp
Classification: Likely benign for Jeune thoracic dystrophy; Nephronophthisis. Last evaluated: 2025-07-21. Review status: criteria provided, single submitter. Criteria: Invitae Variant Classification Sherloc (09022015). Collection method: clinical testing. Allele origin: germline.

PreventionGenetics, part of Exact Sciences
Classification: Likely benign for TTC21B-related condition. Last evaluated: 2024-11-26. Review status: criteria provided, single submitter. Criteria: ACMG Guidelines, 2015. Collection method: clinical testing. Allele origin: germline.
Comment: This variant is classified as likely benign based on ACMG/AMP sequence variant interpretation guidelines (Richards et al. 2015 PMID: 25741868, with internal and published modifications).

Blueprint Genetics
Classification: Likely benign. Last evaluated: 2020-09-24. Review status: criteria provided, single submitter. Criteria: ACMG Guidelines, 2015. Collection method: clinical testing. Allele origin: germline.

NM_024753.5(TTC21B):c.345C>T (p.Gly115=)

Genes: TTC21B (tetratricopeptide repeat domain 21B; minus strand), TTC21B-AS1 (TTC21B antisense RNA 1; plus strand). Cytogenetic location: 2q24.3.
Variant type: single nucleotide variant.
Coding change: c.345C>T on transcript NM_024753.5 (MANE Select); coding-DNA position 345, C replaced by T.
Protein change: p.Gly115=; no amino-acid change (glycine 115 retained).
Molecular consequence: synonymous variant.
Genome position (GRCh38, 1-based): chr2:165,945,608, G>A on the plus strand (C>T on the coding strand, the complement: TTC21B is on the minus strand). VCF-style: chr2-165945608-G-A. GRCh37 (hg19) VCF-style: chr2-166802118-G-A.
Other names: c.345C>T (NM_024753.4).
Identifiers: ClinVar variation 1424879 (VCV001424879.8), dbSNP rs370444063, ClinGen allele CA1942470.
Genomic context (GRCh38, chr2:165,945,608, plus strand): 5'-GATCATTCTGTCAATATATTCCCTTGCTTTATCATGGCGACCAATGTGCCATAAAAATAA[G>A]CCTGCATGGTATAAGGCTTTCTCTCCAGCTCCTTTACGTTGTTCCTTCACTCTGGCATCT-3'
Protein context (NP_079029.3, residues 105-125): GAGEKALYHA[Gly115=]LFLWHIGRHD